The following is an entry in ClinVar:

ClinVar aggregate classification (germline): Likely benign. Review status: criteria provided, multiple submitters, no conflicts (2 of 4 stars). 4 submissions from 4 submitters: Likely benign (3). 1 of the submissions does not count toward it. Last evaluated 2023-12-02.

Conditions:
RYR1-related disorder. Also called: RYR1-related condition; RYR1-related disorders. Identifiers: MedGen CN239331.
Malignant hyperthermia, susceptibility to, 1 (MHS1). Also called: RYR1-Related Malignant Hyperthermia Susceptibility; Malignant hyperthermia suceptibility 1; Anesthesia related hyperthermia; Malignant hyperpyrexia; Fulminating hyperpyrexia; Pharmacogenic myopathy. Identifiers: Orphanet 423, MedGen C2930980, MONDO:0007783, OMIM 145600.

gnomAD v4.1: 34 of 1,611,452 alleles (0.0021%); highest among the groups gnomAD compares: Non-Finnish European, 0.0029%; no homozygotes.

Submissions (4):

Labcorp Genetics (formerly Invitae), Labcorp
Classification: Likely benign for RYR1-related disorder. Last evaluated: 2023-12-02. Review status: criteria provided, single submitter. Criteria: Invitae Variant Classification Sherloc (09022015). Collection method: clinical testing. Allele origin: germline.

All of Us Research Program, National Institutes of Health
Classification: Likely benign for Malignant hyperthermia, susceptibility to, 1. Last evaluated: 2023-08-15. Review status: criteria provided, single submitter. Criteria: ACMG Guidelines, 2015. Collection method: clinical testing. Allele origin: germline. Inheritance: Autosomal dominant inheritance. Observed: 2 variant alleles, 2 heterozygotes.
Comment: This study involves interpretation of variants in research participants for the purpose of population health screening. Participant phenotype was not available at the time of variant classification. Additional details can be found in publication PMID: 35346344, PMCID: PMC8962531

Color Diagnostics, LLC DBA Color Health
Classification: Likely benign for Malignant hyperthermia, susceptibility to, 1. Last evaluated: 2022-11-06. Review status: criteria provided, single submitter. Criteria: ACMG Guidelines, 2015. Collection method: clinical testing. Allele origin: germline.

PreventionGenetics, part of Exact Sciences
Classification: Likely benign for RYR1-related condition. Last evaluated: 2019-09-12. Review status: no assertion criteria provided. Collection method: clinical testing. Allele origin: germline. Not counted in ClinVar's aggregate classification.
Comment: This variant is classified as likely benign based on ACMG/AMP sequence variant interpretation guidelines (Richards et al. 2015 PMID: 25741868, with internal and published modifications).

NM_000540.3(RYR1):c.7872C>A (p.Arg2624=)

Gene: RYR1 (ryanodine receptor 1; plus strand). Cytogenetic location: 19q13.2.
Variant type: single nucleotide variant.
Coding change: c.7872C>A on transcript NM_000540.3 (MANE Select); coding-DNA position 7872, C replaced by A.
Protein change: p.Arg2624=; no amino-acid change (arginine 2624 retained).
Molecular consequence: synonymous variant.
Genome position (GRCh38, 1-based): chr19:38,502,916, C>A. VCF-style: chr19-38502916-C-A. GRCh37 (hg19) VCF-style: chr19-38993556-C-A.
Other names: c.7872C>A, p.Arg2624= (NM_001042723.2); c.7872C>A (NM_000540.2).
Identifiers: ClinVar variation 1131115 (VCV001131115.13), dbSNP rs1469698, ClinGen allele CA070913.